The following is an entry in ClinVar:

ClinVar aggregate classification (germline): Likely benign (1 of 4 stars; one submission).

Submission:

GeneDx
Classification: Likely benign. Last evaluated: 2016-11-28. Review status: criteria provided, single submitter. Criteria: GeneDx Variant Classification (06012015). Collection method: clinical testing. Allele origin: germline. Affected: yes.
Comment: This variant is considered likely benign or benign based on one or more of the following criteria: it is a conservative change, it occurs at a poorly conserved position in the protein, it is predicted to be benign by multiple in silico algorithms, and/or has population frequency not consistent with disease.

NM_001267550.2(TTN):c.4208+18T>C

Genes: TTN (titin; minus strand), LOC101927055 (uncharacterized LOC101927055; plus strand). Cytogenetic location: 2q31.2.
Variant type: single nucleotide variant.
Coding change: c.4208+18T>C on transcript NM_001267550.2 (MANE Select); 18 bases into the intron after coding-DNA position 4208, T replaced by C.
Molecular consequence: intron variant.
Genome position (GRCh38, 1-based): chr2:178,778,856, A>G on the plus strand (T>C on the coding strand, the complement: TTN is on the minus strand). VCF-style: chr2-178778856-A-G. GRCh37 (hg19) VCF-style: chr2-179643583-A-G.
Other names: c.4070+18T>C (NM_003319.4, NM_133437.4, NM_133432.3); c.4208+18T>C (NM_133378.4, NM_001256850.1, NM_133379.5).
Identifiers: ClinVar variation 391162 (VCV000391162.1), dbSNP rs1057523992, ClinGen allele CA16604056.